The following is an entry in ClinVar:

ClinVar aggregate classification (germline): Uncertain significance (1 of 4 stars; one submission).

Conditions:
Familial cancer of breast. Also called: Hereditary breast cancer; hereditary breast carcinoma; BREAST CANCER, FAMILIAL. Identifiers: Orphanet 227535, MedGen C0346153, MONDO:0016419, OMIM 114480. Disease mechanism: loss of function.

gnomAD v4.1: 1 of 1,612,912 alleles (0.000062%); highest among the groups gnomAD compares: Non-Finnish European, 0.000085%; no homozygotes.

Submission:

Labcorp Genetics (formerly Invitae), Labcorp
Classification: Uncertain significance for Familial cancer of breast. Last evaluated: 2022-02-21. Review status: criteria provided, single submitter. Criteria: Invitae Variant Classification Sherloc (09022015). Collection method: clinical testing. Allele origin: germline.
Comment: In summary, the available evidence is currently insufficient to determine the role of this variant in disease. Therefore, it has been classified as a Variant of Uncertain Significance. Algorithms developed to predict the effect of missense changes on protein structure and function (SIFT, PolyPhen-2, Align-GVGD) all suggest that this variant is likely to be tolerated. This variant has not been reported in the literature in individuals affected with BARD1-related conditions. This variant is not present in population databases (gnomAD no frequency). This sequence change replaces proline, which is neutral and non-polar, with arginine, which is basic and polar, at codon 442 of the BARD1 protein (p.Pro442Arg).

NM_000465.4(BARD1):c.1325C>G (p.Pro442Arg)

Gene: BARD1 (BRCA1 associated RING domain 1; minus strand). Cytogenetic location: 2q35.
Variant type: single nucleotide variant.
Coding change: c.1325C>G on transcript NM_000465.4 (MANE Select); coding-DNA position 1325, C replaced by G.
Protein change: p.Pro442Arg; replaces proline 442 with arginine.
Molecular consequence: missense variant. On other transcripts: non-coding transcript variant (3), intron variant (3).
Genome position (GRCh38, 1-based): chr2:214,769,302, G>C on the plus strand (C>G on the coding strand, the complement: BARD1 is on the minus strand). VCF-style: chr2-214769302-G-C. GRCh37 (hg19) VCF-style: chr2-215634026-G-C.
Other names: c.1268C>G, p.Pro423Arg (NM_001282543.2); c.159-16747C>G (NM_001282548.2); c.216-16747C>G (NM_001282545.2); c.364+22995C>G (NM_001282549.2); short protein forms P442R, P423R.
Identifiers: ClinVar variation 2100929 (VCV002100929.4), dbSNP rs730881417, ClinGen allele CA350450523.